The following is an entry in ClinVar:

ClinVar aggregate classification (germline): Uncertain significance (1 of 4 stars; one submission).

Allele frequency attached by ClinVar (database versions not stated): gnomAD 0.00001; 1000 Genomes Project 30x 0.00031.
gnomAD v4.1: 44 of 1,614,038 alleles (0.0027%); highest among the groups gnomAD compares: South Asian, 0.047%; no homozygotes.

Submission:

Labcorp Genetics (formerly Invitae), Labcorp
Classification: Uncertain significance. Last evaluated: 2026-01-19. Review status: criteria provided, single submitter. Criteria: Invitae Variant Classification Sherloc (09022015). Collection method: clinical testing. Allele origin: germline.
Comment: This sequence change replaces histidine, which is basic and polar, with glutamine, which is neutral and polar, at codon 4759 of the HERC1 protein (p.His4759Gln). This variant is present in population databases (rs747124430, gnomAD 0.04%). This variant has not been reported in the literature in individuals affected with HERC1-related conditions. ClinVar contains an entry for this variant (Variation ID: 2181151). Invitae Evidence Modeling of protein sequence and biophysical properties (such as structural, functional, and spatial information, amino acid conservation, physicochemical variation, residue mobility, and thermodynamic stability) indicates that this missense variant is not expected to disrupt HERC1 protein function with a negative predictive value of 80%. In summary, the available evidence is currently insufficient to determine the role of this variant in disease. Therefore, it has been classified as a Variant of Uncertain Significance.

NM_003922.4(HERC1):c.14277C>A (p.His4759Gln)

Gene: HERC1 (HECT and RLD domain containing E3 ubiquitin protein ligase family member 1; minus strand). Cytogenetic location: 15q22.31.
Variant type: single nucleotide variant.
Coding change: c.14277C>A on transcript NM_003922.4 (MANE Select); coding-DNA position 14277, C replaced by A.
Protein change: p.His4759Gln; replaces histidine 4759 with glutamine.
Molecular consequence: missense variant.
Genome position (GRCh38, 1-based): chr15:63,612,374, G>T on the plus strand (C>A on the coding strand, the complement: HERC1 is on the minus strand). VCF-style: chr15-63612374-G-T. GRCh37 (hg19) VCF-style: chr15-63904573-G-T.
Other names: short protein forms H4759Q.
Identifiers: ClinVar variation 2181151 (VCV002181151.4), dbSNP rs747124430, ClinGen allele CA7603521.